The following is an entry in ClinVar:

NM_001148.6(ANK2):c.5758G>A (p.Gly1920Arg)

Genes: ANK2 (ankyrin 2; plus strand), LOC126807136 (MED14-independent group 3 enhancer GRCh37_chr4:114274931-114276130; plus strand). Cytogenetic location: 4q26.
Variant type: single nucleotide variant.
Coding change: c.5758G>A on transcript NM_001148.6 (MANE Select); coding-DNA position 5758, G replaced by A.
Protein change: p.Gly1920Arg; replaces glycine 1920 with arginine.
Molecular consequence: missense variant. On other transcripts: intron variant (68).
Genome position (GRCh38, 1-based): chr4:113,354,376, G>A. VCF-style: chr4-113354376-G-A. GRCh37 (hg19) VCF-style: chr4-114275532-G-A.
Other names: c.5758G>A (NM_001148.5); c.5524G>A, p.Gly1842Arg (NM_001386142.1); c.2158G>A, p.Gly720Arg (NM_001386166.1); c.5899G>A, p.Gly1967Arg (NM_001386174.1); c.5875G>A, p.Gly1959Arg (NM_001386175.1); c.4411+4127G>A (NM_001386186.2, NM_001386148.2); c.4213+4127G>A (NM_001354269.3); c.4291+4127G>A (NM_001386187.2); and 36 more; short protein forms G1920R, G1842R, G1959R, G1967R, G720R.
Identifiers: ClinVar variation 519494 (VCV000519494.21), dbSNP rs140189724, ClinGen allele CA3051285.

ClinVar aggregate classification (germline): Conflicting classifications of pathogenicity. Review status: criteria provided, conflicting classifications (1 of 4 stars). 7 submissions from 7 submitters: Uncertain significance (5); Likely benign (2). Last evaluated 2025-09-10.

Conditions:
Long QT syndrome (LQTS). Identifiers: MedGen C0023976, MeSH D008133, MONDO:0002442. Disease mechanism: loss of function. Inheritance: Various modes of inheritance.
Cardiac arrhythmia, ankyrin-B-related. Also called: ANKYRIN-B SYNDROME. Identifiers: Orphanet 101016, Orphanet 768, MedGen C1970119, MONDO:0010958, OMIM 600919.
Cardiovascular phenotype. Identifiers: MedGen CN230736.

Allele frequency attached by ClinVar (database versions not stated): gnomAD 0.00004; TOPMed 0.00005; ExAC 0.00007; gnomAD exomes 0.00008; ESP Exome Variant Server 0.00023.
gnomAD v4.1: 93 of 1,613,846 alleles (0.0058%); highest among the groups gnomAD compares: Middle Eastern, 0.016%; 1 homozygote.

Submissions (7):

Labcorp Genetics (formerly Invitae), Labcorp
Classification: Uncertain significance for Long QT syndrome. Last evaluated: 2025-09-10. Review status: criteria provided, single submitter. Criteria: Invitae Variant Classification Sherloc (09022015). Collection method: clinical testing. Allele origin: germline.
Comment: This sequence change replaces glycine, which is neutral and non-polar, with arginine, which is basic and polar, at codon 1920 of the ANK2 protein (p.Gly1920Arg). This variant is present in population databases (rs140189724, gnomAD 0.01%). This missense change has been observed in individual(s) with clinical features of Brugada syndrome or dilated cardiomyopathy (PMID: 26230511, 37198425). ClinVar contains an entry for this variant (Variation ID: 519494). An algorithm developed to predict the effect of missense changes on protein structure and function (PolyPhen-2) suggests that this variant is likely to be tolerated. In summary, the available evidence is currently insufficient to determine the role of this variant in disease. Therefore, it has been classified as a Variant of Uncertain Significance.

Molecular Diagnostic Laboratory for Inherited Cardiovascular Disease, Montreal Heart Institute
Classification: Uncertain significance for Cardiovascular phenotype. Last evaluated: 2025-04-09. Review status: criteria provided, single submitter. Criteria: ACMG Guidelines, 2015. Collection method: clinical testing. Allele origin: germline. Affected: yes.

Dept of Medical Biology, Uskudar University
Classification: Uncertain significance for Long QT syndrome. Last evaluated: 2024-01-08. Review status: criteria provided, single submitter. Criteria: Dept of Medical Biology Variant Classification. Collection method: research. Allele origin: maternal. Affected: yes. Observed: 1 variant allele.
Comment: Criteria: BP4

GeneDx
Classification: Uncertain significance. Last evaluated: 2023-06-12. Review status: criteria provided, single submitter. Criteria: GeneDx Variant Classification Process June 2021. Collection method: clinical testing. Allele origin: germline. Affected: yes.
Comment: Identified in one individual with Brugada syndrome in published literature (Allegue et al., 2015); Located in exon 38, which is reported as being expressed in a brain-specific transcript (Otto et al, 1991; Cunha et al, 2008; Wu et al, 2015); In silico analysis supports that this missense variant does not alter protein structure/function; This variant is associated with the following publications: (PMID: 26109584, 18790697, 1830053, 30821013, 26230511)

Ambry Genetics
Classification: Likely benign for Cardiovascular phenotype. Last evaluated: 2021-06-24. Review status: criteria provided, single submitter. Criteria: Ambry Variant Classification Scheme 2023. Collection method: clinical testing. Allele origin: germline.

Women's Health and Genetics/Laboratory Corporation of America, LabCorp
Classification: Likely benign. Last evaluated: 2020-10-26. Review status: criteria provided, single submitter. Criteria: LabCorp Variant Classification Summary - May 2015. Collection method: clinical testing. Allele origin: germline.
Comment: Variant summary: ANK2 c.5758G>A (p.Gly1920Arg) results in a non-conservative amino acid change in the encoded protein sequence. Three of five in-silico tools predict a benign effect of the variant on protein function. The variant allele was found at a frequency of 8.4e-05 in 250626 control chromosomes, predominantly at a frequency of 0.00016 within the Non-Finnish European subpopulation in the gnomAD database. The observed variant frequency within Non-Finnish European control individuals in the gnomAD database is approximately 24 fold of the estimated maximal expected allele frequency for a pathogenic variant in ANK2 causing Long QT Syndrome phenotype (6.7e-06), strongly suggesting that the variant is a benign polymorphism found primarily in populations of Non-Finnish European origin. c.5758G>A has been reported in the literature in individuals affected with Brugada Syndrome (Allegue_2015, Campuzano_2019). These reports do not provide unequivocal conclusions about association of the variant with Long QT Syndrome. To our knowledge, no experimental evidence demonstrating an impact on protein function has been reported. Three ClinVar submitters (evaluation after 2014) cite the variant as uncertain significance. Based on the evidence outlined above, the variant was classified as likely benign.

Illumina Laboratory Services, Illumina
Classification: Uncertain significance for Cardiac arrhythmia, ankyrin-B-related. Last evaluated: 2017-04-27. Review status: criteria provided, single submitter. Criteria: ICSL Variant Classification Criteria 13 December 2019. Collection method: clinical testing. Allele origin: germline.
Comment: This variant was observed as part of a predisposition screen in an ostensibly healthy population. A literature search was performed for the gene, cDNA change, and amino acid change (where applicable). Publications were found based on this search. However, the evidence from the literature, in combination with allele frequency data from public databases where available, was not sufficient to rule this variant in or out of causing disease. Therefore, this variant is classified as a variant of unknown significance.

Literature cited by the submitters: PubMed 26230511 (cited by 4 submitters); PubMed 37198425 (cited by Labcorp Genetics (formerly Invitae), Labcorp); PubMed 30821013 (cited by Women's Health and Genetics/Laboratory Corporation of America, LabCorp).